The following is an entry in ClinVar:

NM_173560.4(RFX6):c.2632dup (p.Ile878fs)

Gene: RFX6 (regulatory factor X6; plus strand). Cytogenetic location: 6q22.1.
Variant type: Duplication.
Coding change: c.2632dup on transcript NM_173560.4 (MANE Select); coding-DNA position 2632, one base duplicated (A; older notation c.2632dupA).
Protein change: p.Ile878fs; shifts the reading frame from isoleucine 878.
Molecular consequence: frameshift variant.
Genome position (GRCh38, 1-based): chr6:116,931,351, A duplicated; the last of 2 consecutive A bases (chr6:116,931,350-116,931,351); duplicating either gives the same sequence. VCF-style (leftmost placement, unchanged base first): chr6-116931349-C-CA. GRCh37 (hg19) VCF-style: chr6-117252512-C-CA.
Other names: short protein forms I878fs.
Identifiers: ClinVar variation 4886909 (VCV004886909.1).

ClinVar aggregate classification (germline): Pathogenic (1 of 4 stars; one submission).

Conditions:
Maturity-onset diabetes of the young (MODY). Also called: Maturity onset diabetes mellitus in young. Identifiers: Orphanet 552, MedGen C0342276, MONDO:0018911, HP:0004904.

Submission:

Research Division, Joslin Diabetes Center
Classification: Pathogenic for Maturity-onset diabetes of the young. Last evaluated: 2026-06-22. Review status: criteria provided, single submitter. Criteria: ACMG Guidelines, 2015. Collection method: research, in vitro. Allele origin: germline, not applicable. Inheritance: Autosomal dominant inheritance. Affected: yes. Observed: 3 variant alleles. Functional consequence: decreased transcription, cellular mislocalization.
Comment: Classified as pathogenic according to ACMG/AMP criteria based on absence from population databases (PM2), cosegregation with diabetes in the family (PP1), functional evidence demonstrating impaired RFX6 activity (PS3), and predicted loss-of-function evidence (PVS1_Strong).